The following is an entry in ClinVar:

ClinVar aggregate classification (germline): Uncertain significance (1 of 4 stars; one submission).

Allele frequency attached by ClinVar (database versions not stated): gnomAD exomes below 0.00001.
gnomAD v4.1: 1 of 1,608,878 alleles (0.000062%); highest among the groups gnomAD compares: African/African-American, 0.0013%; no homozygotes.

Submission:

Labcorp Genetics (formerly Invitae), Labcorp
Classification: Uncertain significance. Last evaluated: 2022-11-01. Review status: criteria provided, single submitter. Criteria: Invitae Variant Classification Sherloc (09022015). Collection method: clinical testing. Allele origin: germline.
Comment: Algorithms developed to predict the effect of missense changes on protein structure and function are either unavailable or do not agree on the potential impact of this missense change (SIFT: "Deleterious"; PolyPhen-2: "Benign"; Align-GVGD: "Class C0"). ClinVar contains an entry for this variant (Variation ID: 1427114). This variant has not been reported in the literature in individuals affected with MYO5B-related conditions. This variant is not present in population databases (gnomAD no frequency). This sequence change replaces arginine, which is basic and polar, with serine, which is neutral and polar, at codon 1279 of the MYO5B protein (p.Arg1279Ser). In summary, the available evidence is currently insufficient to determine the role of this variant in disease. Therefore, it has been classified as a Variant of Uncertain Significance.

NM_001080467.3(MYO5B):c.3837G>C (p.Arg1279Ser)

Gene: MYO5B (myosin VB; minus strand). Cytogenetic location: 18q21.1.
Variant type: single nucleotide variant.
Coding change: c.3837G>C on transcript NM_001080467.3 (MANE Select); coding-DNA position 3837, G replaced by C.
Protein change: p.Arg1279Ser; replaces arginine 1279 with serine.
Molecular consequence: missense variant.
Genome position (GRCh38, 1-based): chr18:49,864,147, C>G on the plus strand (G>C on the coding strand, the complement: MYO5B is on the minus strand). VCF-style: chr18-49864147-C-G. GRCh37 (hg19) VCF-style: chr18-47390517-C-G.
Other names: short protein forms R1279S.
Identifiers: ClinVar variation 1427114 (VCV001427114.6), dbSNP rs2144080091, ClinGen allele CA402427406.
Genomic context (GRCh38, chr18:49,864,147, plus strand): 5'-CTACCACCTAGGGTCACCCCTCGGCAGCCCCACCGCGGGCCGCCATCTTGTTACCGCGTT[C>G]CTGCCGGCGAGTCGCCGCTGGTCGGCGCTCACGATCTGGGTCCTGAGGATGAGCACCTCC-3'
Protein context (NP_001073936.1, residues 1269-1289): VSADQRRLAG[Arg1279Ser]NAEPNINARS